The following is an entry in ClinVar:

ClinVar aggregate classification (germline): Uncertain significance (1 of 4 stars; one submission).

Allele frequency attached by ClinVar (database versions not stated): gnomAD exomes below 0.00001; TOPMed 0.00001.
gnomAD v4.1: 3 of 1,613,172 alleles (0.00019%); highest among the groups gnomAD compares: Non-Finnish European, 0.00017%; no homozygotes.

Submission:

Labcorp Genetics (formerly Invitae), Labcorp
Classification: Uncertain significance. Last evaluated: 2022-03-01. Review status: criteria provided, single submitter. Criteria: Invitae Variant Classification Sherloc (09022015). Collection method: clinical testing. Allele origin: germline.
Comment: This sequence change replaces proline, which is neutral and non-polar, with serine, which is neutral and polar, at codon 1371 of the LRPPRC protein (p.Pro1371Ser). This variant is present in population databases (no rsID available, gnomAD 0.003%). This variant has not been reported in the literature in individuals affected with LRPPRC-related conditions. Algorithms developed to predict the effect of missense changes on protein structure and function are either unavailable or do not agree on the potential impact of this missense change (SIFT: "Deleterious"; PolyPhen-2: "Probably Damaging"; Align-GVGD: "Class C0"). In summary, the available evidence is currently insufficient to determine the role of this variant in disease. Therefore, it has been classified as a Variant of Uncertain Significance.

NM_133259.4(LRPPRC):c.4111C>T (p.Pro1371Ser)

Gene: LRPPRC (leucine rich pentatricopeptide repeat containing; minus strand). Cytogenetic location: 2p21.
Variant type: single nucleotide variant.
Coding change: c.4111C>T on transcript NM_133259.4 (MANE Select); coding-DNA position 4111, C replaced by T.
Protein change: p.Pro1371Ser; replaces proline 1371 with serine.
Molecular consequence: missense variant.
Genome position (GRCh38, 1-based): chr2:43,889,751, G>A on the plus strand (C>T on the coding strand, the complement: LRPPRC is on the minus strand). VCF-style: chr2-43889751-G-A. GRCh37 (hg19) VCF-style: chr2-44116890-G-A.
Other names: short protein forms P1371S.
Identifiers: ClinVar variation 2191968 (VCV002191968.1), dbSNP rs1173633095, ClinGen allele CA346672763.